The following is an entry in ClinVar:

NM_000059.4(BRCA2):c.7187T>G (p.Leu2396Trp)

Gene: BRCA2 (BRCA2 DNA repair associated; plus strand). Cytogenetic location: 13q13.1.
Variant type: single nucleotide variant.
Coding change: c.7187T>G on transcript NM_000059.4 (MANE Select); coding-DNA position 7187, T replaced by G.
Protein change: p.Leu2396Trp; replaces leucine 2396 with tryptophan.
Molecular consequence: missense variant. On other transcripts: non-coding transcript variant (1).
Genome position (GRCh38, 1-based): chr13:32,355,040, T>G. VCF-style: chr13-32355040-T-G. GRCh37 (hg19) VCF-style: chr13-32929177-T-G.
Other names: c.7091T>G, p.Leu2364Trp (NM_001406719.1); c.7187T>G, p.Leu2396Trp (NM_001406720.1, NM_001432077.1); c.2255T>G, p.Leu752Trp (NM_001406721.1); c.770T>G, p.Leu257Trp (NM_001406722.1); short protein forms L2364W, L2396W, L257W, L752W.
Identifiers: ClinVar variation 4885790 (VCV004885790.2).

ClinVar aggregate classification (germline): Uncertain significance (1 of 4 stars; one submission).

Conditions:
Breast-ovarian cancer, familial, susceptibility to, 2 (BROVCA2). Also called: BRCA2 Hereditary Breast and Ovarian Cancer. Identifiers: Orphanet 145, MedGen C2675520, MONDO:0012933, OMIM 612555. Disease mechanism: loss of function.

Submission:

Dasa
Classification: Uncertain significance for Breast-ovarian cancer, familial, susceptibility to, 2. Last evaluated: 2025-10-13. Review status: criteria provided, single submitter. Criteria: DASA Assertion Criteria. Collection method: clinical testing. Allele origin: germline.
Comment: NM_000059.4(BRCA2):c.7187T>G (p.Leu2396Trp) is a missense variant that results in the substitution of leucine with tryptophan. This variant is absent from population databases. The currently available literature and clinical evidence are not sufficient to establish a definitive association between this variant and the reported condition. Therefore, this variant is classified as a variant of uncertain significance.